The following is an entry in ClinVar:

ClinVar aggregate classification (germline): Uncertain significance. Review status: criteria provided, multiple submitters, no conflicts (2 of 4 stars). 2 submissions from 2 submitters: Uncertain significance (2). Last evaluated 2025-04-06.

Conditions:
Hereditary cancer-predisposing syndrome. Also called: Hereditary neoplastic syndrome; Hereditary Cancer Syndrome; Neoplastic Syndromes, Hereditary; Tumor predisposition. Identifiers: Orphanet 140162, MedGen C0027672, MeSH D009386, MONDO:0015356.
Neuroblastoma, susceptibility to, 3. Also called: ALK-Related Neuroblastic Tumor Susceptibility. Identifiers: Orphanet 635, MedGen C2751681, MONDO:0013083, OMIM 613014.

Submissions (2):

Ambry Genetics
Classification: Uncertain significance for Hereditary cancer-predisposing syndrome. Last evaluated: 2025-04-06. Review status: criteria provided, single submitter. Criteria: Ambry Variant Classification Scheme 2023. Collection method: clinical testing. Allele origin: germline.
Comment: The p.A613S variant (also known as c.1837G>T), located in coding exon 10 of the ALK gene, results from a G to T substitution at nucleotide position 1837. The alanine at codon 613 is replaced by serine, an amino acid with similar properties. This amino acid position is conserved. In addition, this alteration is predicted to be tolerated by in silico analysis. Based on the available evidence, the clinical significance of this variant remains unclear.

Labcorp Genetics (formerly Invitae), Labcorp
Classification: Uncertain significance for Neuroblastoma, susceptibility to, 3. Last evaluated: 2024-03-09. Review status: criteria provided, single submitter. Criteria: Invitae Variant Classification Sherloc (09022015). Collection method: clinical testing. Allele origin: germline.
Comment: This sequence change replaces alanine, which is neutral and non-polar, with serine, which is neutral and polar, at codon 613 of the ALK protein (p.Ala613Ser). This variant is not present in population databases (gnomAD no frequency). This variant has not been reported in the literature in individuals affected with ALK-related conditions. An algorithm developed to predict the effect of missense changes on protein structure and function (PolyPhen-2) suggests that this variant is likely to be disruptive. In summary, the available evidence is currently insufficient to determine the role of this variant in disease. Therefore, it has been classified as a Variant of Uncertain Significance.

NM_004304.5(ALK):c.1837G>T (p.Ala613Ser)

Gene: ALK (ALK receptor tyrosine kinase; minus strand). Cytogenetic location: 2p23.2.
Variant type: single nucleotide variant.
Coding change: c.1837G>T on transcript NM_004304.5 (MANE Select); coding-DNA position 1837, G replaced by T.
Protein change: p.Ala613Ser; replaces alanine 613 with serine.
Molecular consequence: missense variant.
Genome position (GRCh38, 1-based): chr2:29,275,477, C>A on the plus strand (G>T on the coding strand, the complement: ALK is on the minus strand). VCF-style: chr2-29275477-C-A. GRCh37 (hg19) VCF-style: chr2-29498343-C-A.
Other names: c.1837G>T (NM_004304.4); short protein forms A613S.
Identifiers: ClinVar variation 3645138 (VCV003645138.3).
Genomic context (GRCh38, chr2:29,275,477, plus strand): 5'-CCAGGCTGATGGAGATATTGTCAAAAGCCACGATGGCTCTGGATCCTTGTCCCCACCATG[C>A]GACCATCTGCAGCCAGAACCTGTACACATCAAGAGGAATGTGTGTGAGGAGCAAACTGGG-3'
Protein context (NP_004295.2, residues 603-623): VSDRFWLQMV[Ala613Ser]WWGQGSRAIV